The following is an entry in ClinVar:

ClinVar aggregate classification (germline): Benign/Likely benign. Review status: criteria provided, multiple submitters, no conflicts (2 of 4 stars). 25 submissions from 18 submitters: Benign (19); Likely benign (3). 3 of the submissions do not count toward it. Last evaluated 2026-02-04.

Conditions:
Dilated cardiomyopathy 1G (CMD1G). Identifiers: Orphanet 154, MedGen C1858763, MONDO:0011400, OMIM 604145.
Autosomal recessive limb-girdle muscular dystrophy type 2J (LGMDR10). Also called: MUSCULAR DYSTROPHY, LIMB-GIRDLE, AUTOSOMAL RECESSIVE 10; Limb-girdle muscular dystrophy, type 2J. Identifiers: Orphanet 140922, MedGen C1837342, MONDO:0012127, OMIM 608807.
Cardiovascular phenotype. Identifiers: MedGen CN230736.
Early-onset myopathy with fatal cardiomyopathy (CMYO5). Also called: CONGENITAL MYOPATHY 5 WITH CARDIOMYOPATHY; Salih Myopathy. Identifiers: Orphanet 289377, MedGen C2673677, MONDO:0012714, OMIM 611705. Disease mechanism: loss of function.
Myopathy, myofibrillar, 9, with early respiratory failure (MFM9). Also called: Myopathy, distal, with early respiratory failure, autosomal dominant; Hereditary myopathy with early respiratory failure; MYOPATHY, PROXIMAL, WITH EARLY RESPIRATORY MUSCLE INVOLVEMENT; EDSTROM MYOPATHY. Identifiers: Orphanet 178464, Orphanet 34521, MedGen C1863599, MONDO:0011362, OMIM 603689.
Tibial muscular dystrophy (TMD). Also called: Udd Distal Myopathy – Tibial Muscular Dystrophy; Tibial muscular dystrophy, tardive; UDD MYOPATHY. Identifiers: Orphanet 609, MedGen C1838244, MONDO:0010870, OMIM 600334.

Allele frequency attached by ClinVar (database versions not stated): 1000 Genomes Project 0.02236; ExAC 0.02626; ESP Exome Variant Server 0.01596; gnomAD 0.02014 and 0.01991; gnomAD exomes 0.02323 and 0.02603; TOPMed 0.01856; 1000 Genomes Project 30x 0.02077.
gnomAD v4.1: 36,926 of 1,613,394 alleles (2.3%); highest among the groups gnomAD compares: East Asian, 6.3%; 524 homozygotes.

Submissions (25):

Labcorp Genetics (formerly Invitae), Labcorp
Classification: Benign for Dilated cardiomyopathy 1G; Autosomal recessive limb-girdle muscular dystrophy type 2J. Last evaluated: 2026-02-04. Review status: criteria provided, single submitter. Criteria: Invitae Variant Classification Sherloc (09022015). Collection method: clinical testing. Allele origin: germline.

Molecular Diagnostic Laboratory for Inherited Cardiovascular Disease, Montreal Heart Institute
Classification: Benign. Last evaluated: 2025-04-09. Review status: criteria provided, single submitter. Criteria: ACMG Guidelines, 2015. Collection method: clinical testing. Allele origin: germline. Affected: no.

Genome-Nilou Lab
Classification: Benign for Autosomal recessive limb-girdle muscular dystrophy type 2J. Last evaluated: 2021-09-10. Review status: criteria provided, single submitter. Criteria: ACMG Guidelines, 2015. Collection method: clinical testing. Allele origin: germline. Affected: no.

Genome-Nilou Lab
Classification: Benign for Myopathy, myofibrillar, 9, with early respiratory failure. Last evaluated: 2021-09-10. Review status: criteria provided, single submitter. Criteria: ACMG Guidelines, 2015. Collection method: clinical testing. Allele origin: germline. Affected: no.

Genome-Nilou Lab
Classification: Benign for Early-onset myopathy with fatal cardiomyopathy. Last evaluated: 2021-09-10. Review status: criteria provided, single submitter. Criteria: ACMG Guidelines, 2015. Collection method: clinical testing. Allele origin: germline. Affected: no.

Genome-Nilou Lab
Classification: Benign for Tibial muscular dystrophy. Last evaluated: 2021-09-10. Review status: criteria provided, single submitter. Criteria: ACMG Guidelines, 2015. Collection method: clinical testing. Allele origin: germline. Affected: no.

Women's Health and Genetics/Laboratory Corporation of America, LabCorp
Classification: Likely benign. Last evaluated: 2020-01-11. Review status: criteria provided, single submitter. Criteria: LabCorp Variant Classification Summary - May 2015. Collection method: clinical testing. Allele origin: germline.

Athena Diagnostics
Classification: Benign. Last evaluated: 2019-01-16. Review status: criteria provided, single submitter. Criteria: Athena Diagnostics Criteria. Collection method: clinical testing. Allele origin: germline.

Illumina Laboratory Services, Illumina
Classification: Benign for Myopathy, myofibrillar, 9, with early respiratory failure. Last evaluated: 2018-01-13. Review status: criteria provided, single submitter. Criteria: ICSL Variant Classification Criteria 13 December 2019. Collection method: clinical testing. Allele origin: germline.
Comment: This variant was observed in the ICSL laboratory as part of a predisposition screen in an ostensibly healthy population. It had not been previously curated by ICSL or reported in the Human Gene Mutation Database (HGMD: prior to June 1st, 2018), and was therefore a candidate for classification through an automated scoring system. Utilizing variant allele frequency, disease prevalence and penetrance estimates, and inheritance mode, an automated score was calculated to assess if this variant is too frequent to cause the disease. Based on the score and internal cut-off values, a variant classified as benign is not then subjected to further curation. The score for this variant resulted in a classification of benign for this disease.

Illumina Laboratory Services, Illumina
Classification: Likely benign for Dilated cardiomyopathy 1G. Last evaluated: 2018-01-13. Review status: criteria provided, single submitter. Criteria: ICSL Variant Classification Criteria 13 December 2019. Collection method: clinical testing. Allele origin: germline.
Comment: This variant was observed in the ICSL laboratory as part of a predisposition screen in an ostensibly healthy population. It had not been previously curated by ICSL or reported in the Human Gene Mutation Database (HGMD: prior to June 1st, 2018), and was therefore a candidate for classification through an automated scoring system. Utilizing variant allele frequency, disease prevalence and penetrance estimates, and inheritance mode, an automated score was calculated to assess if this variant is too frequent to cause the disease. Based on the score and internal cut-off values, a variant classified as likely benign is not then subjected to further curation. The score for this variant resulted in a classification of likely benign for this disease.

Illumina Laboratory Services, Illumina
Classification: Benign for Autosomal recessive limb-girdle muscular dystrophy type 2J. Last evaluated: 2018-01-13. Review status: criteria provided, single submitter. Criteria: ICSL Variant Classification Criteria 13 December 2019. Collection method: clinical testing. Allele origin: germline.
Comment: the same text as in the submission from Illumina Laboratory Services, Illumina above.

Illumina Laboratory Services, Illumina
Classification: Benign for Tibial muscular dystrophy. Last evaluated: 2018-01-13. Review status: criteria provided, single submitter. Criteria: ICSL Variant Classification Criteria 13 December 2019. Collection method: clinical testing. Allele origin: germline.
Comment: the same text as in the submission from Illumina Laboratory Services, Illumina above.

Illumina Laboratory Services, Illumina
Classification: Benign for Early-onset myopathy with fatal cardiomyopathy. Last evaluated: 2018-01-13. Review status: criteria provided, single submitter. Criteria: ICSL Variant Classification Criteria 13 December 2019. Collection method: clinical testing. Allele origin: germline.
Comment: the same text as in the submission from Illumina Laboratory Services, Illumina above.

Mayo Clinic Laboratories, Mayo Clinic
Classification: Benign. Last evaluated: 2017-10-03. Review status: criteria provided, single submitter. Criteria: ACMG Guidelines, 2015. Collection method: clinical testing. Allele origin: germline. Observed: 96 variant alleles.

Genetic Services Laboratory, University of Chicago
Classification: Benign for AllHighlyPenetrant. Last evaluated: 2013-08-15. Review status: criteria provided, single submitter. Criteria: ACMG Guidelines, 2007. Collection method: clinical testing. Allele origin: germline.

Eurofins Ntd Llc (ga)
Classification: Benign. Last evaluated: 2013-07-23. Review status: criteria provided, single submitter. Criteria: EGL Classification Definitions 2015. Collection method: clinical testing. Allele origin: germline. Observed: 1 variant allele, 1 heterozygote.

Biesecker Lab/Clinical Genomics Section, National Institutes of Health
Classification: Benign. Last evaluated: 2013-06-24. Review status: criteria provided, single submitter. Criteria: Ng et al. (Circ Cardiovasc Genet. 2013). Collection method: research. Allele origin: unknown. Observed: 35 variant alleles. Study: ClinSeq.
Comment: The study set was not selected for affection status in relation to any cancer. Pathogenicity categories were based on literature curation. See Pubmed ID:23861362 for details.

Medical sequencing

GeneDx
Classification: Benign. Last evaluated: 2013-04-29. Review status: criteria provided, single submitter. Criteria: GeneDx Variant Classification (06012015). Collection method: clinical testing. Allele origin: germline. Affected: yes.
Comment: This variant is considered likely benign or benign based on one or more of the following criteria: it is a conservative change, it occurs at a poorly conserved position in the protein, it is predicted to be benign by multiple in silico algorithms, and/or has population frequency not consistent with disease.

Ambry Genetics
Classification: Benign for Cardiovascular phenotype. Last evaluated: 2013-03-06. Review status: criteria provided, single submitter. Criteria: Ambry Autosomal Dominant and X-Linked criteria (10/2015). Collection method: clinical testing. Allele origin: germline. Observed: 1 variant allele.

Laboratory for Molecular Medicine, Mass General Brigham Personalized Medicine
Classification: Benign. Last evaluated: 2012-04-24. Review status: criteria provided, single submitter. Criteria: LMM Criteria. Collection method: clinical testing. Allele origin: germline. Observed: 61 variant alleles.

Breakthrough Genomics
Classification: Likely benign. Review status: criteria provided, single submitter. Criteria: ACMG Guidelines, 2015. Collection method: not provided. Allele origin: germline. Inheritance: Autosomal recessive inheritance. Affected: yes.

PreventionGenetics, part of Exact Sciences
Classification: Benign. Review status: criteria provided, single submitter. Criteria: ACMG Guidelines, 2015. Collection method: clinical testing. Allele origin: germline.

Clinical Genetics DNA and cytogenetics Diagnostics Lab, Erasmus MC, Erasmus Medical Center
Classification: Benign. Review status: no assertion criteria provided. Collection method: clinical testing. Allele origin: germline. Affected: yes. Study: VKGL Data-share Consensus. Not counted in ClinVar's aggregate classification.

Clinical Genetics, Academic Medical Center
Classification: Benign. Review status: no assertion criteria provided. Collection method: clinical testing. Allele origin: germline. Affected: yes. Study: VKGL Data-share Consensus. Not counted in ClinVar's aggregate classification.

Genome Diagnostics Laboratory, University Medical Center Utrecht
Classification: Benign. Review status: no assertion criteria provided. Collection method: clinical testing. Allele origin: germline. Affected: yes. Study: VKGL Data-share Consensus. Not counted in ClinVar's aggregate classification.

NM_001267550.2(TTN):c.79265T>C (p.Ile26422Thr)

Genes: TTN (titin; minus strand), TTN-AS1 (TTN antisense RNA 1; plus strand). Cytogenetic location: 2q31.2.
Variant type: single nucleotide variant.
Coding change: c.79265T>C on transcript NM_001267550.2 (MANE Select); coding-DNA position 79265, T replaced by C.
Protein change: p.Ile26422Thr; replaces isoleucine 26422 with threonine.
Molecular consequence: missense variant.
Genome position (GRCh38, 1-based): chr2:178,566,867, A>G on the plus strand (T>C on the coding strand, the complement: TTN is on the minus strand). VCF-style: chr2-178566867-A-G. GRCh37 (hg19) VCF-style: chr2-179431594-A-G.
Other names: p.I23854T:ATT>ACT; c.74342T>C, p.Ile24781Thr (NM_001256850.1); c.52445T>C, p.Ile17482Thr (NM_133432.3); c.52070T>C, p.Ile17357Thr (NM_003319.4); c.71561T>C, p.Ile23854Thr (NM_133378.4); c.52646T>C, p.Ile17549Thr (NM_133437.4); short protein forms I26422T, I23854T, I24781T, I17482T, I17549T, I17357T.
Identifiers: ClinVar variation 47373 (VCV000047373.38), dbSNP rs3731745, ClinGen allele CA283818.
Genomic context (GRCh38, chr2:178,566,867, plus strand): 5'-GTAATGCGGCGTTTATTACATTTTATCCATCGAATGCCACTTCTGTCTCTTTTCTCTACA[A>G]TGTAACCAATAATCTCACTTCCACCATCACTATCTGGACGGTTCCAACAGACGGTCATGG-3'
Protein context (NP_001254479.2, residues 26412-26432): SDGGSEIIGY[Ile26422Thr]VEKRDRSGIR